The following is an entry in ClinVar:

ClinVar aggregate classification (germline): Uncertain significance (1 of 4 stars; one submission).

Conditions:
Carnitine palmitoyl transferase 1A deficiency. Also called: CPT I DEFICIENCY; CPT DEFICIENCY, HEPATIC, TYPE I; Carnitine palmitoyltransferase type I deficiency; Carnitine palmitoyltransferase 1A deficiency; CPT deficiency, hepatic, type IA. Identifiers: Orphanet 156, MedGen C1829703, MONDO:0009705, OMIM 255120.

Submission:

Labcorp Genetics (formerly Invitae), Labcorp
Classification: Uncertain significance for Carnitine palmitoyl transferase 1A deficiency. Last evaluated: 2023-09-10. Review status: criteria provided, single submitter. Criteria: Invitae Variant Classification Sherloc (09022015). Collection method: clinical testing. Allele origin: germline.
Comment: This sequence change replaces glutamic acid, which is acidic and polar, with lysine, which is basic and polar, at codon 590 of the CPT1A protein (p.Glu590Lys). This variant is not present in population databases (gnomAD no frequency). This missense change has been observed in individual(s) with a positive newborn screening result for CPT1A-related disease (Invitae). Advanced modeling of protein sequence and biophysical properties (such as structural, functional, and spatial information, amino acid conservation, physicochemical variation, residue mobility, and thermodynamic stability) performed at Invitae indicates that this missense variant is expected to disrupt CPT1A protein function. In summary, the available evidence is currently insufficient to determine the role of this variant in disease. Therefore, it has been classified as a Variant of Uncertain Significance.

NM_001876.4(CPT1A):c.1768G>A (p.Glu590Lys)

Gene: CPT1A (carnitine palmitoyltransferase 1A; minus strand). Cytogenetic location: 11q13.3.
Variant type: single nucleotide variant.
Coding change: c.1768G>A on transcript NM_001876.4 (MANE Select); coding-DNA position 1768, G replaced by A.
Protein change: p.Glu590Lys; replaces glutamic acid 590 with lysine.
Molecular consequence: missense variant.
Genome position (GRCh38, 1-based): chr11:68,762,734, C>T on the plus strand (G>A on the coding strand, the complement: CPT1A is on the minus strand). VCF-style: chr11-68762734-C-T. GRCh37 (hg19) VCF-style: chr11-68530202-C-T.
Other names: c.1768G>A, p.Glu590Lys (NM_001031847.3); short protein forms E590K.
Identifiers: ClinVar variation 2882966 (VCV002882966.3), dbSNP rs2495518322, ClinGen allele CA381627740.
Genomic context (GRCh38, chr11:68,762,734, plus strand): 5'-TGGTGCAGGAGCGCACGGTCTCCGTCCTCCCCTCTCGGAAGAGCCGGGTCATGGAGGCCT[C>T]GTATGTGAGGCAAAACTTGCCCATGTCCTGGGGAAAGAGAAGTACTTCAGTGCACGGCAG-3'
Protein context (NP_001867.2, residues 580-600): KDMGKFCLTY[Glu590Lys]ASMTRLFREG